The following is an entry in ClinVar:

NM_001360.3(DHCR7):c.1168C>T (p.His390Tyr)

Gene: DHCR7 (7-dehydrocholesterol reductase; minus strand). Cytogenetic location: 11q13.4.
Variant type: single nucleotide variant.
Coding change: c.1168C>T on transcript NM_001360.3 (MANE Select); coding-DNA position 1168, C replaced by T.
Protein change: p.His390Tyr; replaces histidine 390 with tyrosine.
Molecular consequence: missense variant.
Genome position (GRCh38, 1-based): chr11:71,435,635, G>A on the plus strand (C>T on the coding strand, the complement: DHCR7 is on the minus strand). VCF-style: chr11-71435635-G-A. GRCh37 (hg19) VCF-style: chr11-71146681-G-A.
Other names: c.1168C>T, p.His390Tyr (NM_001163817.2); short protein forms H390Y.
Identifiers: ClinVar variation 594428 (VCV000594428.12), dbSNP rs544442568, ClinGen allele CA6162294.

ClinVar aggregate classification (germline): Uncertain significance. Review status: criteria provided, multiple submitters, no conflicts (2 of 4 stars). 6 submissions from 6 submitters: Uncertain significance (5). 1 of the submissions does not count toward it. Last evaluated 2024-06-17.

Conditions:
Smith-Lemli-Opitz syndrome (SLOS). Also called: POLYDACTYLY, SEX REVERSAL, RENAL HYPOPLASIA, AND UNILOBAR LUNG; RSH SYNDROME; RUTLEDGE LETHAL MULTIPLE CONGENITAL ANOMALY SYNDROME; LETHAL ACRODYSGENITAL SYNDROME; 7-Dehydrocholesterol reductase deficiency. Identifiers: Orphanet 818, MedGen C0175694, MONDO:0010035, OMIM 270400.
Inborn genetic diseases. Identifiers: MedGen C0950123, MeSH D030342.

Allele frequency attached by ClinVar (database versions not stated): gnomAD below 0.00001 and 0.00001; 1000 Genomes Project 0.00020; TOPMed 0.00001; gnomAD exomes 0.00002 and 0.00008; ExAC 0.00009; 1000 Genomes Project 30x 0.00016.
gnomAD v4.1: 39 of 1,612,146 alleles (0.0024%); highest among the groups gnomAD compares: South Asian, 0.026%; no homozygotes.

Submissions (6):

GeneDx
Classification: Uncertain significance. Last evaluated: 2024-06-17. Review status: criteria provided, single submitter. Criteria: GeneDx Variant Classification Process June 2021. Collection method: clinical testing. Allele origin: germline. Affected: yes.
Comment: Identified in the heterozygous state in an adult patient with cholestatic liver injury attributed to oral semaglutide; a second DHCR7 variant was not found in this patient (PMID: 36600793); Identified in the heterozygous state in one healthy control and no cases in a cohort of cases of uterine leiomyomas; a second DHCR7 variant was not found in this control (PMID: 35795205); In silico analysis supports that this missense variant has a deleterious effect on protein structure/function; This variant is associated with the following publications: (PMID: 36600793, 35795205)

Fulgent Genetics
Classification: Uncertain significance for Smith-Lemli-Opitz syndrome. Last evaluated: 2024-04-22. Review status: criteria provided, single submitter. Criteria: ACMG Guidelines, 2015. Collection method: clinical testing. Allele origin: germline.

Women's Health and Genetics/Laboratory Corporation of America, LabCorp
Classification: Uncertain significance. Last evaluated: 2023-02-27. Review status: criteria provided, single submitter. Criteria: LabCorp Variant Classification Summary - May 2015. Collection method: clinical testing. Allele origin: germline.
Comment: Variant summary: DHCR7 c.1168C>T (p.His390Tyr) results in a conservative amino acid change in the encoded protein sequence. Three of five in-silico tools predict a benign effect of the variant on protein function. The variant allele was found at a frequency of 8.1e-05 in 246406 control chromosomes (gnomAD). This frequency is lower than the estimated maximum expected for a pathogenic variant in DHCR7 causing Smith-Lemli-Opitz Syndrome (0.0043), allowing no conclusion about variant significance. To our knowledge, no occurrence of c.1168C>T in individuals affected with Smith-Lemli-Opitz Syndrome and no experimental evidence demonstrating its impact on protein function have been reported. Four clinical diagnostic laboratories have submitted clinical-significance assessments for this variant to ClinVar after 2014, and all classified the variant as uncertain significance. Based on the evidence outlined above, the variant was classified as uncertain significance.

Ambry Genetics
Classification: Uncertain significance for Inborn genetic diseases. Last evaluated: 2022-02-10. Review status: criteria provided, single submitter. Criteria: Ambry Variant Classification Scheme 2023. Collection method: clinical testing. Allele origin: germline.

Eurofins Ntd Llc (ga)
Classification: Uncertain significance. Last evaluated: 2018-07-24. Review status: criteria provided, single submitter. Criteria: EGL ClinVar v180209 classification definitions. Collection method: clinical testing. Allele origin: germline. Observed: 2 variant alleles, 2 heterozygotes.

Natera, Inc.
Classification: Uncertain significance for Smith-Lemli-Opitz syndrome. Last evaluated: 2018-10-08. Review status: no assertion criteria provided. Collection method: clinical testing. Allele origin: germline. Not counted in ClinVar's aggregate classification.

Literature cited by the submitters: PubMed 35795205 (cited by Women's Health and Genetics/Laboratory Corporation of America, LabCorp); PubMed 36600793 (cited by Women's Health and Genetics/Laboratory Corporation of America, LabCorp).